The following is an entry in ClinVar:

ClinVar aggregate classification (germline): Pathogenic. Review status: criteria provided, multiple submitters, no conflicts (2 of 4 stars). 3 submissions from 3 submitters: Pathogenic (3). Last evaluated 2024-06-03.

Conditions:
Developmental and epileptic encephalopathy 6B. Also called: Developmental and epileptic encephalopathy 6B, non-Dravet. Identifiers: MedGen C5543353, MONDO:0030268, OMIM 619317.
Migraine, familial hemiplegic, 3. Identifiers: Orphanet 569, MedGen C1864987, MONDO:0012320, OMIM 609634.
Severe myoclonic epilepsy in infancy (DRVT). Also called: SEVERE MYOCLONIC EPILEPSY OF INFANCY; Dravet syndrome; Epileptic encephalopathy, early infantile, 6 (Dravet syndrome); DEVELOPMENTAL AND EPILEPTIC ENCEPHALOPATHY 6A; Severe Myoclonic Epilepsy in Infancy (SMEI). Identifiers: Orphanet 33069, MedGen C0751122, MONDO:0100135, OMIM 607208.
Generalized epilepsy with febrile seizures plus, type 2 (GEFSP2). Also called: GEFS+, TYPE 2. Identifiers: Orphanet 36387, MedGen C1858673, MONDO:0011461, OMIM 604403.
Early-infantile DEE. Also called: Early infantile epileptic encephalopathy; Ohtahara syndrome; Early infantile epileptic encephalopathy with suppression bursts. Identifiers: Orphanet 1934, MedGen C0393706, MONDO:0800491.

Submissions (3):

Labcorp Genetics (formerly Invitae), Labcorp
Classification: Pathogenic for Early-infantile DEE. Last evaluated: 2024-06-03. Review status: criteria provided, single submitter. Criteria: Invitae Variant Classification Sherloc (09022015). Collection method: clinical testing. Allele origin: germline.
Comment: This sequence change creates a premature translational stop signal (p.Trp280*) in the SCN1A gene. It is expected to result in an absent or disrupted protein product. Loss-of-function variants in SCN1A are known to be pathogenic (PMID: 17347258, 18930999). This variant is not present in population databases (gnomAD no frequency). This variant has not been reported in the literature in individuals affected with SCN1A-related conditions. ClinVar contains an entry for this variant (Variation ID: 960282). Algorithms developed to predict the effect of sequence changes on RNA splicing suggest that this variant may disrupt the consensus splice site. For these reasons, this variant has been classified as Pathogenic.

Mendelics
Classification: Pathogenic for Generalized epilepsy with febrile seizures plus, type 2. Last evaluated: 2022-05-04. Review status: criteria provided, single submitter. Criteria: Mendelics Assertion Criteria 2019. Collection method: clinical testing. Allele origin: germline.

Fulgent Genetics
Classification: Pathogenic for Generalized epilepsy with febrile seizures plus, type 2; Severe myoclonic epilepsy in infancy; Migraine, familial hemiplegic, 3; Developmental and epileptic encephalopathy 6B. Last evaluated: 2022-04-15. Review status: criteria provided, single submitter. Criteria: ACMG Guidelines, 2015. Collection method: clinical testing. Allele origin: unknown.

Literature cited by the submitters: PubMed 17347258 (cited by Labcorp Genetics (formerly Invitae), Labcorp); PubMed 18930999 (cited by Labcorp Genetics (formerly Invitae), Labcorp).

NM_001165963.4(SCN1A):c.839G>A (p.Trp280Ter)

Gene: SCN1A (sodium voltage-gated channel alpha subunit 1; minus strand). Cytogenetic location: 2q24.3.
Variant type: single nucleotide variant.
Coding change: c.839G>A on transcript NM_001165963.4 (MANE Select); coding-DNA position 839, G replaced by A.
Protein change: p.Trp280Ter; replaces tryptophan 280 with a stop codon.
Molecular consequence: nonsense. On other transcripts: 5 prime UTR variant (1), non-coding transcript variant (1).
Genome position (GRCh38, 1-based): chr2:166,051,844, C>T on the plus strand (G>A on the coding strand, the complement: SCN1A is on the minus strand). VCF-style: chr2-166051844-C-T. GRCh37 (hg19) VCF-style: chr2-166908354-C-T.
Other names: c.839G>A, p.Trp280Ter (NM_001353951.2, NM_001353952.2, NM_001353954.2 and 10 more transcripts); c.-1587G>A (NM_001353961.2); short protein forms W280*.
Identifiers: ClinVar variation 960282 (VCV000960282.11), dbSNP rs1698593264, ClinGen allele CA349073036.